The following is an entry in ClinVar:

ClinVar aggregate classification (germline): Likely pathogenic (1 of 4 stars; one submission).

Submission:

Labcorp Genetics (formerly Invitae), Labcorp
Classification: Likely pathogenic. Last evaluated: 2024-08-10. Review status: criteria provided, single submitter. Criteria: Invitae Variant Classification Sherloc (09022015). Collection method: clinical testing. Allele origin: germline.
Comment: This sequence change affects an acceptor splice site in intron 27 of the C5 gene. It is expected to disrupt RNA splicing. Variants that disrupt the donor or acceptor splice site typically lead to a loss of protein function (PMID: 16199547), and loss-of-function variants in C5 are known to be pathogenic (PMID: 7730648, 19414197, 27026170). This variant is not present in population databases (gnomAD no frequency). This variant has not been reported in the literature in individuals affected with C5-related conditions. Algorithms developed to predict the effect of sequence changes on RNA splicing suggest that this variant may disrupt the consensus splice site. In summary, the currently available evidence indicates that the variant is pathogenic, but additional data are needed to prove that conclusively. Therefore, this variant has been classified as Likely Pathogenic.

Literature cited by the submitters: PubMed 16199547; PubMed 7730648; PubMed 19414197; PubMed 27026170.

NM_001735.3(C5):c.3487-2A>C

Gene: C5 (complement C5; minus strand). Cytogenetic location: 9q33.2.
Variant type: single nucleotide variant.
Coding change: c.3487-2A>C on transcript NM_001735.3 (MANE Select); the canonical splice acceptor site of the intron before coding-DNA position 3487, A replaced by C.
Molecular consequence: splice acceptor variant.
Genome position (GRCh38, 1-based): chr9:120,980,256, T>G on the plus strand (A>C on the coding strand, the complement: C5 is on the minus strand). VCF-style: chr9-120980256-T-G. GRCh37 (hg19) VCF-style: chr9-123742534-T-G.
Other names: c.3505-2A>C (NM_001317163.2).
Identifiers: ClinVar variation 3661898 (VCV003661898.2).
Genomic context (GRCh38, chr9:120,980,256, plus strand): 5'-GCTGGCAGTGTATTTTCAAGCAGAAAGTTGTCAGCTTTAATTAGAGCTGTGTCGATTTTC[T>G]GGAAACAAGAGAAGATACTTCAGTTTCTATGTCAAGCAACCACCTATCAATTGATATGAA-3'